The following is an entry in ClinVar:

ClinVar aggregate classification (germline): Benign. Review status: reviewed by expert panel (3 of 4 stars). 27 submissions from 26 submitters: Benign (1). 26 of the submissions do not count toward it. Last evaluated 2015-01-12.

Conditions:
Breast and/or ovarian cancer. Identifiers: MedGen CN221562.
Hereditary cancer-predisposing syndrome. Also called: Hereditary neoplastic syndrome; Tumor predisposition; Neoplastic Syndromes, Hereditary; Hereditary Cancer Syndrome. Identifiers: Orphanet 140162, MedGen C0027672, MeSH D009386, MONDO:0015356.
Hereditary breast ovarian cancer syndrome. Also called: Hereditary breast and ovarian cancer syndrome; Breast and ovarian cancer; Hereditary breast and ovarian cancer syndrome (HBOC); BRCA1- and BRCA2-Associated Hereditary Breast and Ovarian Cancer; Hereditary breast and ovarian cancer; Hereditary breast and/or ovarian cancer syndrome. Identifiers: Orphanet 145, MedGen C0677776, MeSH D061325, MONDO:0003582. Disease mechanism: loss of function.
Breast-ovarian cancer, familial, susceptibility to, 2 (BROVCA2). Also called: BRCA2 Hereditary Breast and Ovarian Cancer. Identifiers: Orphanet 145, MedGen C2675520, MONDO:0012933, OMIM 612555. Disease mechanism: loss of function.
Familial cancer of breast. Also called: hereditary breast carcinoma; Hereditary breast cancer; BREAST CANCER, FAMILIAL. Identifiers: Orphanet 227535, MedGen C0346153, MONDO:0016419, OMIM 114480. Disease mechanism: loss of function.

Allele frequency attached by ClinVar (database versions not stated): gnomAD exomes 0.00092 and 0.00268; ExAC 0.00334; gnomAD 0.00975 and 0.01055; 1000 Genomes Project 0.01018; 1000 Genomes Project 30x 0.01046; TOPMed 0.01083; ESP Exome Variant Server 0.01276.
gnomAD v4.1: 2,863 of 1,600,540 alleles (0.18%); highest among the groups gnomAD compares: African/African-American, 3.4%; 50 homozygotes.

Submissions (27):

Evidence-based Network for the Interpretation of Germline Mutant Alleles (ENIGMA)
Classification: Benign for Breast-ovarian cancer, familial 2. Last evaluated: 2015-01-12. Review status: reviewed by expert panel. Criteria: ENIGMA BRCA1/2 Classification Criteria (2015). Collection method: curation. Allele origin: germline.
Comment: Class 1 not pathogenic based on frequency >1% in an outbred sampleset. Frequency 0.04268 (African), derived from 1000 genomes (2012-04-30).

Labcorp Genetics (formerly Invitae), Labcorp
Classification: Benign for Hereditary breast ovarian cancer syndrome. Last evaluated: 2026-02-04. Review status: criteria provided, single submitter. Criteria: Invitae Variant Classification Sherloc (09022015). Collection method: clinical testing. Allele origin: germline. Not counted in ClinVar's aggregate classification.

ARUP Laboratories, Molecular Genetics and Genomics, ARUP Laboratories
Classification: Benign. Last evaluated: 2025-06-11. Review status: criteria provided, single submitter. Criteria: ARUP Molecular Germline Variant Investigation Process 2024. Collection method: clinical testing. Allele origin: germline. Not counted in ClinVar's aggregate classification.

Center for Genomic Medicine, Rigshospitalet, Copenhagen University Hospital
Classification: Benign. Last evaluated: 2025-03-04. Review status: criteria provided, single submitter. Criteria: ACMG Guidelines, 2015. Collection method: clinical testing. Allele origin: germline. Not counted in ClinVar's aggregate classification.

KCCC/NGS Laboratory, Kuwait Cancer Control Center
Classification: Benign for Familial cancer of breast. Last evaluated: 2025-02-01. Review status: criteria provided, single submitter. Criteria: ACMG Guidelines, 2015. Collection method: clinical testing. Allele origin: germline. Affected: no. Not counted in ClinVar's aggregate classification.

Blueprint Genetics
Classification: Likely benign. Last evaluated: 2024-11-25. Review status: criteria provided, single submitter. Criteria: ACMG Guidelines, 2015. Collection method: clinical testing. Allele origin: germline. Not counted in ClinVar's aggregate classification.

KCCC/NGS Laboratory, Kuwait Cancer Control Center
Classification: Benign for Breast-ovarian cancer, familial, susceptibility to, 2. Last evaluated: 2023-07-07. Review status: criteria provided, single submitter. Criteria: ACMG Guidelines, 2015. Collection method: clinical testing. Allele origin: germline. Affected: yes. Not counted in ClinVar's aggregate classification.

CHEO Genetics Diagnostic Laboratory, Children's Hospital of Eastern Ontario
Classification: Benign for Breast and/or ovarian cancer. Last evaluated: 2022-11-18. Review status: criteria provided, single submitter. Criteria: ACMG Guidelines, 2015. Collection method: clinical testing. Allele origin: germline. Not counted in ClinVar's aggregate classification.

Mayo Clinic Laboratories, Mayo Clinic
Classification: Benign. Last evaluated: 2022-08-04. Review status: criteria provided, single submitter. Criteria: ACMG Guidelines, 2015. Collection method: clinical testing. Allele origin: germline. Observed: 20 variant alleles. Not counted in ClinVar's aggregate classification.
Comment: BA1, BP4, BP6, BP7

National Health Laboratory Service, Universitas Academic Hospital and University of the Free State
Classification: Benign for Hereditary breast ovarian cancer syndrome. Last evaluated: 2022-04-19. Review status: criteria provided, single submitter. Criteria: ACMG Guidelines, 2015. Collection method: clinical testing. Allele origin: germline. Affected: yes. Observed: 109 variant alleles. Not counted in ClinVar's aggregate classification.

PreventionGenetics, part of Exact Sciences
Classification: Benign. Last evaluated: 2017-12-13. Review status: criteria provided, single submitter. Criteria: ACMG Guidelines, 2015. Collection method: clinical testing. Allele origin: germline. Not counted in ClinVar's aggregate classification.

Department of Pathology and Laboratory Medicine, Sinai Health System
Classification: Likely benign. Last evaluated: 2017-10-25. Review status: criteria provided, single submitter. Criteria: ACMG Guidelines, 2015. Collection method: clinical testing. Allele origin: germline. Affected: yes. Study: Canadian Open Genetics Repository (COGR). Not counted in ClinVar's aggregate classification.

Genome Diagnostics Laboratory, University Medical Center Utrecht
Classification: Likely benign for Breast-ovarian cancer, familial, susceptibility to, 2. Last evaluated: 2017-07-31. Review status: criteria provided, single submitter. Criteria: ACGS Guidelines, 2013. Collection method: clinical testing. Allele origin: germline. Affected: yes. Study: VKGL Data-share Consensus. Not counted in ClinVar's aggregate classification.

Baylor Genetics
Classification: Benign for Familial cancer of breast. Last evaluated: 2017-02-23. Review status: criteria provided, single submitter. Criteria: ACMG Guidelines, 2015. Collection method: clinical testing. Allele origin: germline. Inheritance: Autosomal dominant inheritance. Affected: no. Not counted in ClinVar's aggregate classification.

Institute for Biomarker Research, Medical Diagnostic Laboratories, L.L.C.
Classification: Likely benign for Hereditary breast ovarian cancer syndrome. Last evaluated: 2016-04-25. Review status: criteria provided, single submitter. Criteria: ACMG Guidelines, 2015. Collection method: clinical testing. Allele origin: germline. Not counted in ClinVar's aggregate classification.

Clinical Genetics DNA and cytogenetics Diagnostics Lab, Erasmus MC, Erasmus Medical Center
Classification: Benign for Breast-ovarian cancer, familial, susceptibility to, 2. Last evaluated: 2015-09-21. Review status: criteria provided, single submitter. Criteria: ACGS Guidelines, 2013. Collection method: clinical testing. Allele origin: germline. Affected: yes. Study: VKGL Data-share Consensus. Not counted in ClinVar's aggregate classification.

Color Diagnostics, LLC DBA Color Health
Classification: Benign for Hereditary cancer-predisposing syndrome. Last evaluated: 2015-08-14. Review status: criteria provided, single submitter. Criteria: ACMG Guidelines, 2015. Collection method: clinical testing. Allele origin: germline. Not counted in ClinVar's aggregate classification.

Eurofins Ntd Llc (ga)
Classification: Benign. Last evaluated: 2015-08-12. Review status: criteria provided, single submitter. Criteria: EGL Classification Definitions 2015. Collection method: clinical testing. Allele origin: germline. Observed: 7 variant alleles, 7 heterozygotes. Not counted in ClinVar's aggregate classification.

GeneDx
Classification: Benign. Last evaluated: 2015-03-03. Review status: criteria provided, single submitter. Criteria: GeneDx Variant Classification Process June 2021. Collection method: clinical testing. Allele origin: germline. Affected: yes. Not counted in ClinVar's aggregate classification.

Ambry Genetics
Classification: Benign for Hereditary cancer-predisposing syndrome. Last evaluated: 2014-11-19. Review status: criteria provided, single submitter. Criteria: Ambry Variant Classification Scheme 2023. Collection method: clinical testing. Allele origin: germline. Not counted in ClinVar's aggregate classification.

Molecular Genetics Laboratory, University of Michigan
Classification: Benign for Breast-ovarian cancer, familial, susceptibility to, 2. Last evaluated: 2014-11-03. Review status: criteria provided, single submitter. Criteria: ACMG Guidelines, 2015. Collection method: clinical testing. Allele origin: germline. Affected: yes. Not counted in ClinVar's aggregate classification.

Women's Health and Genetics/Laboratory Corporation of America, LabCorp
Classification: Benign for Hereditary breast ovarian cancer syndrome. Last evaluated: 2014-02-14. Review status: criteria provided, single submitter. Criteria: LabCorp Variant Classification Summary - May 2015. Collection method: clinical testing. Allele origin: germline. Not counted in ClinVar's aggregate classification.

Counsyl
Classification: Benign for Breast-ovarian cancer, familial 2. Last evaluated: 2014-02-18. Review status: no assertion criteria provided. Collection method: literature only. Allele origin: unknown. Inheritance: Autosomal dominant inheritance. Not counted in ClinVar's aggregate classification.

Breast Cancer Information Core (BIC) (BRCA2)
Classification: Uncertain significance for Breast-ovarian cancer, familial 2. Last evaluated: 2010-12-17. Review status: no assertion criteria provided. Collection method: clinical testing. Allele origin: germline. Affected: yes. Observed: 1 variant allele. Not counted in ClinVar's aggregate classification.

Clinical Genetics Laboratory, Department of Pathology, Netherlands Cancer Institute
Classification: Benign. Review status: no assertion criteria provided. Collection method: clinical testing. Allele origin: germline. Affected: yes. Study: VKGL Data-share Consensus. Not counted in ClinVar's aggregate classification.

Joint Genome Diagnostic Labs from Nijmegen and Maastricht, Radboudumc and MUMC+
Classification: Benign. Review status: no assertion criteria provided. Collection method: clinical testing. Allele origin: germline. Affected: yes. Study: VKGL Data-share Consensus. Not counted in ClinVar's aggregate classification.

Laboratory of Diagnostic Genome Analysis, Leiden University Medical Center (LUMC)
Classification: Benign. Review status: no assertion criteria provided. Collection method: clinical testing. Allele origin: germline. Affected: yes. Study: VKGL Data-share Consensus. Not counted in ClinVar's aggregate classification.

Literature cited by the submitters: DOI 10.3389/fgene.2022.834265 (cited by National Health Laboratory Service, Universitas Academic Hospital and University of the Free State); PubMed 16619214 (cited by Women's Health and Genetics/Laboratory Corporation of America, LabCorp and Counsyl); PubMed 22874498 (cited by Women's Health and Genetics/Laboratory Corporation of America, LabCorp).

NM_000059.4(BRCA2):c.8487+19A>G

Gene: BRCA2 (BRCA2 DNA repair associated; plus strand). Cytogenetic location: 13q13.1.
Variant type: single nucleotide variant.
Coding change: c.8487+19A>G on transcript NM_000059.4 (MANE Select); 19 bases into the intron after coding-DNA position 8487, A replaced by G.
Molecular consequence: intron variant.
Genome position (GRCh38, 1-based): chr13:32,370,576, A>G. VCF-style: chr13-32370576-A-G. GRCh37 (hg19) VCF-style: chr13-32944713-A-G.
Other names: IVS19+19A>G; IVS 19+19A>G; p.?.
Identifiers: ClinVar variation 126178 (VCV000126178.68), dbSNP rs11571743, ClinGen allele CA025669.